The following is an entry in ClinVar:

ClinVar aggregate classification (germline): Uncertain significance. Review status: criteria provided, multiple submitters, no conflicts (2 of 4 stars). 2 submissions from 2 submitters: Uncertain significance (2). Last evaluated 2024-09-15.

Allele frequency attached by ClinVar (database versions not stated): gnomAD exomes 0.00007; ESP Exome Variant Server 0.00044; ExAC 0.00054; gnomAD 0.00071; 1000 Genomes Project 30x 0.00078; 1000 Genomes Project 0.00080; TOPMed 0.00084.
gnomAD v4.1: 202 of 1,410,198 alleles (0.014%); highest among the groups gnomAD compares: African/African-American, 0.26%; 1 homozygote.

Submissions (2):

GeneDx
Classification: Uncertain significance. Last evaluated: 2024-09-15. Review status: criteria provided, single submitter. Criteria: GeneDx Variant Classification Process June 2021. Collection method: clinical testing. Allele origin: germline. Affected: yes.
Comment: In silico analysis indicates that this missense variant does not alter protein structure/function; Has not been previously published as pathogenic or benign to our knowledge

Ambry Genetics
Classification: Uncertain significance. Last evaluated: 2022-06-03. Review status: criteria provided, single submitter. Criteria: Ambry Variant Classification Scheme 2023. Collection method: clinical testing. Allele origin: germline.

NM_001367479.1(DNAH14):c.8278A>C (p.Ile2760Leu)

Gene: DNAH14 (dynein axonemal heavy chain 14; plus strand). Cytogenetic location: 1q42.12.
Variant type: single nucleotide variant.
Coding change: c.8278A>C on transcript NM_001367479.1 (MANE Select); coding-DNA position 8278, A replaced by C.
Protein change: p.Ile2760Leu; replaces isoleucine 2760 with leucine.
Molecular consequence: missense variant.
Genome position (GRCh38, 1-based): chr1:225,289,891, A>C. VCF-style: chr1-225289891-A-C. GRCh37 (hg19) VCF-style: chr1-225477593-A-C.
Other names: NM_001373.1:c.7999A>C; short protein forms I2760L.
Identifiers: ClinVar variation 2313583 (VCV002313583.3), dbSNP rs371563812, ClinGen allele CA1416417.